The following is an entry in ClinVar:

ClinVar aggregate classification (germline): Likely pathogenic (1 of 4 stars; one submission).

Submission:

GeneDx
Classification: Likely pathogenic. Last evaluated: 2017-05-31. Review status: criteria provided, single submitter. Criteria: GeneDx Variant Classification (06012015). Collection method: clinical testing. Allele origin: germline. Affected: yes.
Comment: A variant that is likely pathogenic has been identified in the PCDH19 gene. The c.1478_1485delTGCCGTCG variant has not been published as a pathogenic variant, nor has it been reported as a benign variant to our knowledge. The c.1478_1485delTGCCGTCG variant is not observed in large population cohorts (Lek et al., 2016; 1000 Genomes Consortium et al., 2015; Exome Variant Server). The c.1478_1485delTGCCGTCG variant causes a frameshift starting with codon Valine 493, changes this amino acid to an Alanine residue and creates a premature Stop codon at position 27 of the new reading frame, denoted p.Val493AlafsX27. This likely pathogenic variant is predicted to cause loss of normal protein function either through protein truncation or nonsense-mediated mRNA decay. Therefore, this variant is likely pathogenic; however, the possibility that it is benign cannot be excluded.

NM_001184880.2(PCDH19):c.1478_1485del (p.Val493fs)

Gene: PCDH19 (protocadherin 19; minus strand). Cytogenetic location: Xq22.1.
Variant type: Deletion.
Coding change: c.1478_1485del on transcript NM_001184880.2 (MANE Select); coding-DNA positions 1478 to 1485, 8 bases deleted (TGCCGTCG; older notation c.1478_1485delTGCCGTCG).
Protein change: p.Val493fs; shifts the reading frame from valine 493.
Molecular consequence: frameshift variant.
Genome position (GRCh38, 1-based): chrX:100,407,113-100,407,120, CGACGGCA deleted on the plus strand (TGCCGTCG on the coding strand, the reverse complement: PCDH19 is on the minus strand); deleting any 8 consecutive bases within chrX:100,407,113-100,407,123 gives the same sequence; the c. name uses the placement nearest the transcript's 3' end. VCF-style (leftmost placement, unchanged base first): chrX-100407112-GCGACGGCA-G. GRCh37 (hg19) VCF-style: chrX-99662110-GCGACGGCA-G.
Other names: c.1478_1485del, p.Val493fs (NM_001105243.2, NM_020766.3); short protein forms V493fs.
Identifiers: ClinVar variation 430517 (VCV000430517.2), dbSNP rs1131692002, ClinGen allele CA645369811.
Genomic context (GRCh38, chrX:100,407,112, plus strand): 5'-AGATGTCGCCTGAGTTGGGATTGATGGAGACATAGGTGAAGACAGGCATGTCCCGCACCT[GCGACGGCA>G]CGATCTGGTAGGAGACACTGCCGTTGAGACCCAGGTCGGGGTCGCGAGCAGACACAGAGA-3'